The following is an entry in ClinVar:

ClinVar aggregate classification (germline): Pathogenic/Likely pathogenic. Review status: criteria provided, multiple submitters, no conflicts (2 of 4 stars). 19 submissions from 16 submitters: Pathogenic (15); Likely pathogenic (2). 2 of the submissions do not count toward it. Last evaluated 2026-09-01.

Conditions:
Autosomal recessive titinopathy. Identifiers: MedGen CN315649, MONDO:0100493.
Early-onset myopathy with fatal cardiomyopathy (CMYO5). Also called: CONGENITAL MYOPATHY 5 WITH CARDIOMYOPATHY; Salih Myopathy. Identifiers: Orphanet 289377, MedGen C2673677, MONDO:0012714, OMIM 611705. Disease mechanism: loss of function.
Autosomal recessive limb-girdle muscular dystrophy type 2J (LGMDR10). Also called: MUSCULAR DYSTROPHY, LIMB-GIRDLE, AUTOSOMAL RECESSIVE 10; Limb-girdle muscular dystrophy, type 2J. Identifiers: Orphanet 140922, MedGen C1837342, MONDO:0012127, OMIM 608807.
TTN-related myopathy. Identifiers: MedGen CN294812, MONDO:0100175.
TTN-related disorder. Also called: TTN-related disorders; TTN-related condition; TTN-related disease.
Cardiovascular phenotype. Identifiers: MedGen CN230736.
Dilated cardiomyopathy 1G (CMD1G). Identifiers: Orphanet 154, MedGen C1858763, MONDO:0011400, OMIM 604145.
Neuromuscular disease. Also called: Neuromuscular disorder; Neuromyopathy. Identifiers: Orphanet 68381, MedGen C0027868, MeSH D009468, MONDO:0019056.
Limb-girdle muscle weakness. Identifiers: MedGen C1858127, HP:0003325.
Limb-girdle muscle atrophy. Identifiers: MedGen C1842552, HP:0003797.
Limb-girdle muscular dystrophy (LGMD). Also called: Muscular Dystrophies, Limb-Girdle. Identifiers: Orphanet 263, MedGen C0686353, MeSH D049288, MONDO:0016971, HP:0006785.
Muscular dystrophy. Identifiers: Orphanet 98473, MedGen C0026850, MeSH D009136, MONDO:0020121, HP:0003560.
Decreased patellar reflex. Identifiers: MedGen C3277184, HP:0011808.
Proximal lower limb amyotrophy. Identifiers: MedGen C1836767, HP:0008956.
Waddling gait. Identifiers: MedGen C0231712, HP:0002515.
Lower limb muscle weakness. Identifiers: MedGen C1836296, HP:0007340.
Rimmed vacuoles. Identifiers: MedGen C1853932, HP:0003805.
Myopathy. Identifiers: MedGen C0026848, MeSH D009135, MONDO:0005336, HP:0003198.

Allele frequency attached by ClinVar (database versions not stated): TOPMed 0.00002; gnomAD exomes 0.00001; ExAC 0.00002.
gnomAD v4.1: 11 of 1,613,904 alleles (0.00068%); highest among the groups gnomAD compares: Admixed American, 0.005%; no homozygotes.

Submissions 1 to 6 of 19:

CeGaT Center for Human Genetics Tuebingen
Classification: Pathogenic. Last evaluated: 2026-09-01. Review status: criteria provided, single submitter. Criteria: CeGaT Center For Human Genetics Tuebingen Variant Classification Criteria Version 2. Collection method: clinical testing. Allele origin: germline. Affected: yes. Observed: 7 variant alleles.
Comment: TTN: PM3:Very Strong, PM2, PVS1:Moderate

Labcorp Genetics (formerly Invitae), Labcorp
Classification: Pathogenic for Dilated cardiomyopathy 1G; Autosomal recessive limb-girdle muscular dystrophy type 2J. Last evaluated: 2025-12-19. Review status: criteria provided, single submitter. Criteria: Invitae Variant Classification Sherloc (09022015). Collection method: clinical testing. Allele origin: germline.
Comment: This sequence change creates a premature translational stop signal (p.Gln35879*) in the TTN gene. While this is not anticipated to result in nonsense mediated decay, it is expected to create a truncated TTN protein. This variant is present in population databases (rs757082154, gnomAD 0.003%). This premature translational stop signal has been observed in individuals with clinical features of autosomal recessive TTN-related myopathy and/or dilated cardiomyopathy (PMID: 27796757, 28295036, 29435569, 34935411). This variant has been reported in individual(s) with clinical features of autosomal dominant TTN-related conditions (internal data); however, the role of the variant in this condition is currently unclear. This variant is also known as c. 102712C>T (p.Gln34238*). ClinVar contains an entry for this variant (Variation ID: 202529). Algorithms developed to predict the effect of sequence changes on RNA splicing suggest that this variant may disrupt the consensus splice site. This variant is located in the M band of TTN (PMID: 25589632). Truncating variants in this region have been previously reported in individuals affected with autosomal dominant or autosomal recessive myopathy and muscular dystrophy (PMID: 18948003, 23975875, 24395473). Truncating variants in this region have also been identified in individuals affected with autosomal dominant dilated cardiomyopathy and/or cardio-related conditions (PMID: 27869827, 32964742, internal data). For these reasons, this variant has been classified as Pathogenic.

GeneDx
Classification: Pathogenic. Last evaluated: 2025-12-18. Review status: criteria provided, single submitter. Criteria: GeneDx Variant Classification Process June 2021. Collection method: clinical testing. Allele origin: germline. Affected: yes.
Comment: Nonsense variant predicted to result in protein truncation, as the last 113 amino acids are lost, and other loss-of-function variants have been reported downstream in HGMD; Located in the M-band, a region of TTN for which truncating variants are significantly associated with autosomal recessive skeletal myopathies and also with autosomal dominant cardiomyopathy (PMID: 17444505, 32778822, 36637017); Not observed at significant frequency in large population cohorts (gnomAD); This variant is associated with the following publications: (PMID: 32039858, 28295036, 32528171, 34935411, 39486665, 27796757, 38473809, 34106991, 32778822, 29435569, 17444505, 36637017, 37576110)

Women's Health and Genetics/Laboratory Corporation of America, LabCorp
Classification: Pathogenic for Autosomal recessive titinopathy. Last evaluated: 2025-10-10. Review status: criteria provided, single submitter. Criteria: LabCorp Variant Classification Summary - May 2015. Collection method: clinical testing. Allele origin: germline.
Comment: Variant summary: TTN c.99931C>T (p.Gln33311X), also known as NM_001267550: c.107635C>T (p.Gln35879X), results in a premature termination codon and although it is not predicted to result in nonsense mediated decay, it is expected to cause a truncation of the encoded protein, which is a commonly known mechanism for disease. Loss of function variants in all TTN bands are strongly associated with a spectrum of autosomal recessive titinopathies when exon expression (proportion spliced in, PSI, 1=complete expression) in skeletal muscle is >0.1 (PMID: 36977548, 39198997, 29598826, 32778822, 29691892, 33449170, 36977548, internal data). In contrast, loss of function variants in all TTN bands are only strongly associated with autosomal dominant TTN-related cardiomyopathies if located in exons constitutively expressed (PSI >0.9) in cardiac muscle, excluding extreme C-terminal exons 359-363 (PMID: 25589632, 31216868, 32964742, 34662387, 27869827, Shetty et al., Nat Cardiovasc Res 2024,, internal data). This variant has a maximum skeletal muscle PSI of 0.886 and a maximum cardiac muscle PSI of 0.990. The variant allele was found at a frequency of 1.2e-05 in 248904 control chromosomes. c.99931C>T has been observed as a biallelic genotype in multiple individuals affected with Autosomal Recessive Titinopathy and/or Dilated Cardiomyopathy (e.g. Peric_2017, Baban_2023). These data indicate that the variant is very likely to be associated with disease. This variant has also been reported in the heterozygous state in individuals affected with Dilated Cardiomyopathy, but without strong evidence (i.e. segregation data) indicating causality (e.g. Khan_2022, Voinescu_2024). To our knowledge, no experimental evidence demonstrating an impact on protein function has been reported. The following publications have been ascertained in the context of this evaluation (PMID: 37576110, 34935411, 28295036, 38473809). ClinVar contains an entry for this variant (Variation ID: 202529). While this variant has been reported in the literature, the clinical significance of the variant for autosomal dominant TTN-related conditions could not be established. Based on the evidence outlined above, the variant was classified as pathogenic for autosomal recessive TTN-related conditions.

Institute of Human Genetics Munich, TUM University Hospital
Classification: Likely pathogenic for Dilated cardiomyopathy 1G. Last evaluated: 2025-03-24. Review status: criteria provided, single submitter. Criteria: Classification criteria August 2017. Collection method: clinical testing. Allele origin: germline. Inheritance: Autosomal dominant inheritance. Affected: yes. Observed: 1 variant allele.

Institute of Immunology and Genetics Kaiserslautern
Classification: Pathogenic for Early-onset myopathy with fatal cardiomyopathy; Autosomal recessive limb-girdle muscular dystrophy type 2J. Last evaluated: 2024-10-15. Review status: criteria provided, single submitter. Criteria: ACMG Guidelines, 2015. Collection method: clinical testing. Allele origin: germline. Affected: yes.
Comment: ACMG Criteria: PP5, PM2_P, PM3, PVS1; Variant was found in heterozygous state

NM_001267550.2(TTN):c.107635C>T (p.Gln35879Ter)

Genes: TTN (titin; minus strand), TTN-AS1 (TTN antisense RNA 1; plus strand). Cytogenetic location: 2q31.2.
Variant type: single nucleotide variant.
Coding change: c.107635C>T on transcript NM_001267550.2 (MANE Select); coding-DNA position 107635, C replaced by T.
Protein change: p.Gln35879Ter; replaces glutamine 35879 with a stop codon.
Molecular consequence: nonsense.
Genome position (GRCh38, 1-based): chr2:178,527,491, G>A on the plus strand (C>T on the coding strand, the complement: TTN is on the minus strand). VCF-style: chr2-178527491-G-A. GRCh37 (hg19) VCF-style: chr2-179392218-G-A.
Other names: p.Q34238*:CAA>TAA; NM_001267550.2(TTN):c.107635C>T; p.Gln35879Ter; c.102712C>T, p.Gln34238Ter (NM_001256850.1); c.80440C>T, p.Gln26814Ter (NM_003319.4); c.99931C>T, p.Gln33311Ter (NM_133378.4); c.80815C>T, p.Gln26939Ter (NM_133432.3); c.81016C>T, p.Gln27006Ter (NM_133437.4); short protein forms Q34238*, Q35879*, Q27006*, Q33311*, Q26814*, Q26939*.
Identifiers: ClinVar variation 202529 (VCV000202529.71), dbSNP rs757082154, ClinGen allele CA309520.